The following is an entry in ClinVar:

ClinVar aggregate classification (germline): Uncertain significance (1 of 4 stars; one submission).

Submission:

Labcorp Genetics (formerly Invitae), Labcorp
Classification: Uncertain significance. Last evaluated: 2022-11-01. Review status: criteria provided, single submitter. Criteria: Invitae Variant Classification Sherloc (09022015). Collection method: clinical testing. Allele origin: germline.
Comment: In summary, the available evidence is currently insufficient to determine the role of this variant in disease. Therefore, it has been classified as a Variant of Uncertain Significance. This variant is not present in population databases (gnomAD no frequency). This sequence change replaces proline, which is neutral and non-polar, with histidine, which is basic and polar, at codon 2976 of the ANK3 protein (p.Pro2976His). This variant has not been reported in the literature in individuals affected with ANK3-related conditions. Algorithms developed to predict the effect of missense changes on protein structure and function are either unavailable or do not agree on the potential impact of this missense change (SIFT: "Not Available"; PolyPhen-2: "Possibly Damaging"; Align-GVGD: "Not Available").

NM_020987.5(ANK3):c.8927C>A (p.Pro2976His)

Gene: ANK3 (ankyrin 3; minus strand). Cytogenetic location: 10q21.2.
Variant type: single nucleotide variant.
Coding change: c.8927C>A on transcript NM_020987.5 (MANE Select); coding-DNA position 8927, C replaced by A.
Protein change: p.Pro2976His; replaces proline 2976 with histidine.
Molecular consequence: missense variant. On other transcripts: intron variant (4).
Genome position (GRCh38, 1-based): chr10:60,071,954, G>T on the plus strand (C>A on the coding strand, the complement: ANK3 is on the minus strand). VCF-style: chr10-60071954-G-T. GRCh37 (hg19) VCF-style: chr10-61831712-G-T.
Other names: c.4388-3945C>A (NM_001204403.2); c.4409-3945C>A (NM_001204404.2); c.4406-3945C>A (NM_001320874.2); c.1808-3945C>A (NM_001149.4); short protein forms P2976H.
Identifiers: ClinVar variation 2135550 (VCV002135550.4), dbSNP rs2082780272, ClinGen allele CA377004592.